The following is an entry in ClinVar:

NM_001384140.1(PCDH15):c.2215G>C (p.Val739Leu)

Gene: PCDH15 (protocadherin related 15; minus strand). Cytogenetic location: 10q21.1.
Variant type: single nucleotide variant.
Coding change: c.2215G>C on transcript NM_001384140.1 (MANE Select); coding-DNA position 2215, G replaced by C.
Protein change: p.Val739Leu; replaces valine 739 with leucine.
Molecular consequence: missense variant.
Genome position (GRCh38, 1-based): chr10:54,066,762, C>G on the plus strand (G>C on the coding strand, the complement: PCDH15 is on the minus strand). VCF-style: chr10-54066762-C-G. GRCh37 (hg19) VCF-style: chr10-55826522-C-G.
Other names: c.2230G>C, p.Val744Leu (NM_001142763.2, NM_001142771.2); c.2215G>C, p.Val739Leu (NM_001142764.2, NM_001142766.2, NM_001142770.3 and 5 more transcripts); c.2002G>C, p.Val668Leu (NM_001142765.2); c.2104G>C, p.Val702Leu (NM_001142767.2); c.2149G>C, p.Val717Leu (NM_001142768.2, NM_001142773.2, NM_001354404.2); c.2251G>C, p.Val751Leu (NM_001142769.4); c.2236G>C, p.Val746Leu (NM_001354411.2); short protein forms V668L, V702L, V717L, V739L, V744L, V746L, V751L.
Identifiers: ClinVar variation 1717602 (VCV001717602.3), dbSNP rs2135810075, ClinGen allele CA376516590.

ClinVar aggregate classification (germline): Uncertain significance (1 of 4 stars; one submission).

Submission:

Labcorp Genetics (formerly Invitae), Labcorp
Classification: Uncertain significance. Last evaluated: 2022-08-22. Review status: criteria provided, single submitter. Criteria: Invitae Variant Classification Sherloc (09022015). Collection method: clinical testing. Allele origin: germline.
Comment: This sequence change replaces valine, which is neutral and non-polar, with leucine, which is neutral and non-polar, at codon 739 of the PCDH15 protein (p.Val739Leu). This variant is not present in population databases (gnomAD no frequency). This variant has not been reported in the literature in individuals affected with PCDH15-related conditions. Algorithms developed to predict the effect of missense changes on protein structure and function are either unavailable or do not agree on the potential impact of this missense change (SIFT: "Deleterious"; PolyPhen-2: "Possibly Damaging"; Align-GVGD: "Class C0"). In summary, the available evidence is currently insufficient to determine the role of this variant in disease. Therefore, it has been classified as a Variant of Uncertain Significance.